The following is an entry in ClinVar:

NM_004531.5(MOCS2):c.163dup (p.Ser55fs)

Gene: MOCS2 (molybdenum cofactor synthesis 2; minus strand). Cytogenetic location: 5q11.2.
Variant type: Duplication.
Coding change: c.163dup on transcript NM_004531.5 (MANE Select); coding-DNA position 163, one base duplicated (T; older notation c.163dupT).
Protein change: p.Ser55fs; shifts the reading frame from serine 55.
Molecular consequence: frameshift variant. On other transcripts: 3 prime UTR variant (1).
Genome position (GRCh38, 1-based): chr5:53,102,160, A duplicated on the plus strand (T on the coding strand, the reverse complement: MOCS2 is on the minus strand); the first of 3 consecutive A bases (chr5:53,102,160-53,102,162); duplicating any one gives the same sequence. VCF-style (leftmost placement, unchanged base first): chr5-53102159-G-GA. GRCh37 (hg19) VCF-style: chr5-52397989-G-GA.
Other names: c.*83dup (NM_176806.4); short protein forms S55fs.
Identifiers: ClinVar variation 1458938 (VCV001458938.8), dbSNP rs2112084395, ClinGen allele CA2573139770.

ClinVar aggregate classification (germline): Pathogenic (1 of 4 stars; one submission).

Submission:

Labcorp Genetics (formerly Invitae), Labcorp
Classification: Pathogenic. Last evaluated: 2022-06-29. Review status: criteria provided, single submitter. Criteria: Invitae Variant Classification Sherloc (09022015). Collection method: clinical testing. Allele origin: germline.
Comment: For these reasons, this variant has been classified as Pathogenic. This variant has not been reported in the literature in individuals affected with MOCS2B-related conditions. This variant is not present in population databases (gnomAD no frequency). This sequence change creates a premature translational stop signal (p.Ser55Phefs*4) in the MOCS2B gene. It is expected to result in an absent or disrupted protein product. Loss-of-function variants in MOCS2B are known to be pathogenic (PMID: 21031595).

Literature cited by the submitters: PubMed 21031595.